The following is an entry in ClinVar:

ClinVar aggregate classification (germline): Uncertain significance (1 of 4 stars; one submission).

Submission:

Ambry Genetics
Classification: Uncertain significance. Last evaluated: 2023-09-05. Review status: criteria provided, single submitter. Criteria: Ambry Variant Classification Scheme 2023. Collection method: clinical testing. Allele origin: germline.
Comment: The p.T64N variant (also known as c.191C>A), located in coding exon 4 of the RPS20 gene, results from a C to A substitution at nucleotide position 191. The threonine at codon 64 is replaced by asparagine, an amino acid with similar properties. This amino acid position is conserved. In addition, this alteration is predicted to be deleterious by in silico analysis. Since supporting evidence is limited at this time, the clinical significance of this alteration remains unclear.

NM_001023.4(RPS20):c.191C>A (p.Thr64Asn)

Gene: RPS20 (ribosomal protein S20; minus strand). Cytogenetic location: 8q12.1.
Variant type: single nucleotide variant.
Coding change: c.191C>A on transcript NM_001023.4 (MANE Select); coding-DNA position 191, C replaced by A.
Protein change: p.Thr64Asn; replaces threonine 64 with asparagine.
Molecular consequence: missense variant.
Genome position (GRCh38, 1-based): chr8:56,073,259, G>T on the plus strand (C>A on the coding strand, the complement: RPS20 is on the minus strand). VCF-style: chr8-56073259-G-T. GRCh37 (hg19) VCF-style: chr8-56985818-G-T.
Other names: c.191C>A, p.Thr64Asn (NM_001146227.3); short protein forms T64N.
Identifiers: ClinVar variation 2625281 (VCV002625281.2), dbSNP rs142278807, ClinGen allele CA371283210.